The following is an entry in ClinVar:

NM_001134407.3(GRIN2A):c.3619T>C (p.Tyr1207His)

Gene: GRIN2A (glutamate ionotropic receptor NMDA type subunit 2A; minus strand). Cytogenetic location: 16p13.2.
Variant type: single nucleotide variant.
Coding change: c.3619T>C on transcript NM_001134407.3 (MANE Select); coding-DNA position 3619, T replaced by C.
Protein change: p.Tyr1207His; replaces tyrosine 1207 with histidine.
Molecular consequence: missense variant.
Genome position (GRCh38, 1-based): chr16:9,763,925, A>G on the plus strand (T>C on the coding strand, the complement: GRIN2A is on the minus strand). VCF-style: chr16-9763925-A-G. GRCh37 (hg19) VCF-style: chr16-9857782-A-G.
Other names: c.3619T>C, p.Tyr1207His (NM_000833.5, NM_001134408.2); short protein forms Y1207H.
Identifiers: ClinVar variation 129198 (VCV000129198.50), dbSNP rs587780355, ClinGen allele CA231149.
Genomic context (GRCh38, chr16:9,763,925, plus strand): 5'-GGCCTGAATAGGTGGGCATGTTGGAAAGGCAGCTTCTGCAGTGCGTGGAGTTCTGCCGGT[A>G]TCGCTCGCTGGTCTCACTGTGCGGGGAACCCTTGTCTTTCAAGGTGAAGTGCTTGGAGTA-3'
Protein context (NP_001127879.1, residues 1197-1217): GSPHSETSER[Tyr1207His]RQNSTHCRSC

ClinVar aggregate classification (germline): Uncertain significance. Review status: criteria provided, multiple submitters, no conflicts (2 of 4 stars). 3 submissions from 3 submitters: Uncertain significance (3). Last evaluated 2020-10-30.

Conditions:
Inborn genetic diseases. Identifiers: MedGen C0950123, MeSH D030342.

Allele frequency attached by ClinVar (database versions not stated): gnomAD 0.00001; gnomAD exomes 0.00001; TOPMed 0.00003.
gnomAD v4.1: 6 of 1,614,022 alleles (0.00037%); highest among the groups gnomAD compares: East Asian, 0.0067%; no homozygotes.

Submissions (3):

Ambry Genetics
Classification: Uncertain significance for Inborn genetic diseases. Last evaluated: 2020-10-30. Review status: criteria provided, single submitter. Criteria: Ambry Variant Classification Scheme 2023. Collection method: clinical testing. Allele origin: germline.
Comment: The c.3619T>C (p.Y1207H) alteration is located in exon 14 (coding exon 12) of the GRIN2A gene. This alteration results from a T to C substitution at nucleotide position 3619, causing the tyrosine (Y) at amino acid position 1207 to be replaced by a histidine (H). Based on data from the Genome Aggregation Database (gnomAD) database, the GRIN2A c.3619T>C alteration was observed in 0.0008% (2/251430) of total alleles studied, with a frequency of 0.002% (2/113714) in the European (non-Finnish) subpopulation. This amino acid position is well conserved in available vertebrate species. The p.Y1207H alteration is predicted to be tolerated by in silico analysis. Based on insufficient or conflicting evidence, the clinical significance of this alteration remains unclear.

CeGaT Center for Human Genetics Tuebingen
Classification: Uncertain significance. Last evaluated: 2017-08-01. Review status: criteria provided, single submitter. Criteria: CeGaT Center For Human Genetics Tuebingen Variant Classification Criteria Version 2. Collection method: clinical testing. Allele origin: germline. Affected: yes. Observed: 1 variant allele.

Genetic Services Laboratory, University of Chicago
Classification: Uncertain significance. Last evaluated: 2013-08-26. Review status: criteria provided, single submitter. Criteria: ACMG Guidelines, 2007. Collection method: clinical testing. Allele origin: germline. Inheritance: Autosomal dominant inheritance.